The following is an entry in ClinVar:

NM_001067.4(TOP2A):c.3480A>C (p.Arg1160Ser)

Gene: TOP2A (DNA topoisomerase II alpha; minus strand). Cytogenetic location: 17q21.2.
Variant type: single nucleotide variant.
Coding change: c.3480A>C on transcript NM_001067.4 (MANE Select); coding-DNA position 3480, A replaced by C.
Protein change: p.Arg1160Ser; replaces arginine 1160 with serine.
Molecular consequence: missense variant.
Genome position (GRCh38, 1-based): chr17:40,398,615, T>G on the plus strand (A>C on the coding strand, the complement: TOP2A is on the minus strand). VCF-style: chr17-40398615-T-G. GRCh37 (hg19) VCF-style: chr17-38554867-T-G.
Other names: short protein forms R1160S.
Identifiers: ClinVar variation 724368 (VCV000724368.5), dbSNP rs61756257, ClinGen allele CA8543157.

ClinVar aggregate classification (germline): Benign. Review status: criteria provided, single submitter (1 of 4 stars). 2 submissions from 2 submitters: Benign (1). 1 of the submissions does not count toward it. Last evaluated 2018-09-19.

Conditions:
TOP2A-related disorder. Also called: TOP2A-related condition.

Allele frequency attached by ClinVar (database versions not stated): gnomAD exomes 0.00054; ExAC 0.00117; 1000 Genomes Project 30x 0.00312; 1000 Genomes Project 0.00319; gnomAD 0.00199 and 0.00192; TOPMed 0.00198; ESP Exome Variant Server 0.00179.
gnomAD v4.1: 609 of 1,595,112 alleles (0.038%); highest among the groups gnomAD compares: African/African-American, 0.71%; 1 homozygote.

Submissions (2):

Labcorp Genetics (formerly Invitae), Labcorp
Classification: Benign. Last evaluated: 2018-09-19. Review status: criteria provided, single submitter. Criteria: Invitae Variant Classification Sherloc (09022015). Collection method: clinical testing. Allele origin: germline.

PreventionGenetics, part of Exact Sciences
Classification: Likely benign for TOP2A-related condition. Last evaluated: 2021-02-23. Review status: no assertion criteria provided. Collection method: clinical testing. Allele origin: germline. Not counted in ClinVar's aggregate classification.
Comment: This variant is classified as likely benign based on ACMG/AMP sequence variant interpretation guidelines (Richards et al. 2015 PMID: 25741868, with internal and published modifications).